The following is an entry in ClinVar:

ClinVar aggregate classification (germline): Likely pathogenic (1 of 4 stars; one submission).

Conditions:
Arrhythmogenic right ventricular dysplasia 8 (ARVD8). Also called: Arrhythmogenic Right Ventricular Dysplasia/Cardiomyopathy 8; ARRHYTHMOGENIC RIGHT VENTRICULAR CARDIOMYOPATHY 8; ARRHYTHMOGENIC RIGHT VENTRICULAR DYSPLASIA, FAMILIAL, 8. Identifiers: MedGen C1843896, MONDO:0011831, OMIM 607450.

Submission:

MGZ Medical Genetics Center
Classification: Likely pathogenic for Arrhythmogenic right ventricular dysplasia 8. Last evaluated: 2022-04-14. Review status: criteria provided, single submitter. Criteria: ACMG Guidelines, 2015. Collection method: clinical testing. Allele origin: germline. Affected: yes. Observed: 2 variant alleles.
Comment: ACMG criteria applied: PVS1, PM2_SUP

NM_004415.4(DSP):c.4625_4626del (p.Asp1541_Tyr1542insTer)

Gene: DSP (desmoplakin; plus strand). Cytogenetic location: 6p24.3.
Variant type: Deletion.
Coding change: c.4625_4626del on transcript NM_004415.4 (MANE Select); coding-DNA positions 4625 to 4626, 2 bases deleted (AT; older notation c.4625_4626delAT).
Protein change: p.Asp1541_Tyr1542insTer.
Molecular consequence: nonsense. On other transcripts: intron variant (2).
Genome position (GRCh38, 1-based): chr6:7,580,815-7,580,816, AT deleted; deleting any 2 consecutive bases within chr6:7,580,814-7,580,816 gives the same sequence; the c. name uses the placement nearest the transcript's 3' end. VCF-style (leftmost placement, unchanged base first): chr6-7580813-CTA-C. GRCh37 (hg19) VCF-style: chr6-7581046-CTA-C.
Other names: c.4050+575_4050+576del (NM_001319034.2); c.3582+1043_3582+1044del (NM_001008844.3).
Identifiers: ClinVar variation 1709037 (VCV001709037.2), dbSNP rs2533929501, ClinGen allele CA2580075389.